The following is an entry in ClinVar:

NM_007294.4(BRCA1):c.2004C>A (p.Leu668=)

Gene: BRCA1 (BRCA1 DNA repair associated; minus strand). Cytogenetic location: 17q21.31.
Variant type: single nucleotide variant.
Coding change: c.2004C>A on transcript NM_007294.4 (MANE Select); coding-DNA position 2004, C replaced by A.
Protein change: p.Leu668=; no amino-acid change (leucine 668 retained).
Molecular consequence: synonymous variant. On other transcripts: intron variant (137).
Genome position (GRCh38, 1-based): chr17:43,093,527, G>T on the plus strand (C>A on the coding strand, the complement: BRCA1 is on the minus strand). VCF-style: chr17-43093527-G-T. GRCh37 (hg19) VCF-style: chr17-41245544-G-T.
Other names: c.1863C>A, p.Leu621= (NM_001407697.1, NM_001407698.1, NM_001407724.1 and 29 more transcripts); c.1791C>A, p.Leu597= (NM_001407571.1, NM_001407853.1, NM_001407894.1 and 9 more transcripts); c.2004C>A, p.Leu668= (NM_001407581.1, NM_001407582.1, NM_001407583.1 and 30 more transcripts); c.2001C>A, p.Leu667= (NM_001407587.1, NM_001407590.1, NM_001407591.1 and 22 more transcripts); c.1860C>A, p.Leu620= (NM_001407740.1, NM_001407741.1, NM_001407742.1 and 20 more transcripts); c.1803C>A, p.Leu601= (NM_001407862.1); c.1881C>A, p.Leu627= (NM_001407863.1, NM_001407648.1, NM_001407664.1 and 19 more transcripts); c.1800C>A, p.Leu600= (NM_001407874.1, NM_001407875.1); and 40 more.
Identifiers: ClinVar variation 380354 (VCV000380354.21), dbSNP rs1057520832, ClinGen allele CA16608452.

ClinVar aggregate classification (germline): Likely benign. Review status: criteria provided, multiple submitters, no conflicts (2 of 4 stars). 6 submissions from 6 submitters: Likely benign (6). Last evaluated 2026-01-26.

Conditions:
Breast-ovarian cancer, familial, susceptibility to, 1 (BROVCA1). Also called: BRCA1 Hereditary Breast and Ovarian Cancer; OVARIAN CANCER, SUSCEPTIBILITY TO. Identifiers: Orphanet 145, MedGen C2676676, MONDO:0011450, OMIM 604370. Disease mechanism: loss of function.
Hereditary breast ovarian cancer syndrome. Also called: Hereditary breast and ovarian cancer syndrome; Breast and ovarian cancer; Hereditary breast and ovarian cancer syndrome (HBOC); Hereditary breast and/or ovarian cancer syndrome; BRCA1- and BRCA2-Associated Hereditary Breast and Ovarian Cancer; Hereditary breast and ovarian cancer. Identifiers: Orphanet 145, MedGen C0677776, MeSH D061325, MONDO:0003582. Disease mechanism: loss of function.
Hereditary cancer-predisposing syndrome. Also called: Neoplastic Syndromes, Hereditary; Hereditary neoplastic syndrome; Hereditary Cancer Syndrome; Tumor predisposition. Identifiers: Orphanet 140162, MedGen C0027672, MeSH D009386, MONDO:0015356.

Allele frequency attached by ClinVar (database versions not stated): TOPMed below 0.00001; gnomAD 0.00001; gnomAD exomes 0.00001.
gnomAD v4.1: 11 of 1,613,898 alleles (0.00068%); highest among the groups gnomAD compares: Non-Finnish European, 0.00093%; no homozygotes.

Submissions (6):

Labcorp Genetics (formerly Invitae), Labcorp
Classification: Likely benign for Hereditary breast ovarian cancer syndrome. Last evaluated: 2026-01-26. Review status: criteria provided, single submitter. Criteria: Invitae Variant Classification Sherloc (09022015). Collection method: clinical testing. Allele origin: germline.

Women's Health and Genetics/Laboratory Corporation of America, LabCorp
Classification: Likely benign. Last evaluated: 2024-02-09. Review status: criteria provided, single submitter. Criteria: LabCorp Variant Classification Summary - May 2015. Collection method: clinical testing. Allele origin: germline.

All of Us Research Program, National Institutes of Health
Classification: Likely benign for Breast-ovarian cancer, familial, susceptibility to, 1. Last evaluated: 2023-12-01. Review status: criteria provided, single submitter. Criteria: ACMG Guidelines, 2015. Collection method: clinical testing. Allele origin: germline. Inheritance: Autosomal dominant inheritance. Observed: 2 variant alleles, 2 heterozygotes.
Comment: This study involves interpretation of variants in research participants for the purpose of population health screening. Participant phenotype was not available at the time of variant classification. Additional details can be found in publication PMID: 35346344, PMCID: PMC8962531

Ambry Genetics
Classification: Likely benign for Hereditary cancer-predisposing syndrome. Last evaluated: 2019-11-29. Review status: criteria provided, single submitter. Criteria: Ambry Variant Classification Scheme 2023. Collection method: clinical testing. Allele origin: germline.

GeneDx
Classification: Likely benign. Last evaluated: 2019-05-14. Review status: criteria provided, single submitter. Criteria: GeneDx Variant Classification Process June 2021. Collection method: clinical testing. Allele origin: germline. Affected: yes.
Comment: This variant is associated with the following publications: (PMID: 20858050)

Color Diagnostics, LLC DBA Color Health
Classification: Likely benign for Hereditary cancer-predisposing syndrome. Last evaluated: 2018-04-03. Review status: criteria provided, single submitter. Criteria: ACMG Guidelines, 2015. Collection method: clinical testing. Allele origin: germline.